The following is an entry in ClinVar:

ClinVar aggregate classification (germline): Likely pathogenic. Review status: criteria provided, multiple submitters, no conflicts (2 of 4 stars). 4 submissions from 4 submitters: Likely pathogenic (4). Last evaluated 2025-03-24.

Conditions:
Glycogen storage disease IXd (GSD9D). Also called: GSD IXd; Muscle Phosphorylase Kinase Deficiency. Identifiers: Orphanet 715, MedGen C1845151, MONDO:0010362, OMIM 300559.

gnomAD v4.1: 3 of 1,205,600 alleles (0.00025%); highest among the groups gnomAD compares: Middle Eastern, 0.029%; no homozygotes.

Submissions (5):

Revvity Omics, Revvity
Classification: Likely pathogenic for Glycogen storage disease IXd. Last evaluated: 2025-03-24. Review status: criteria provided, single submitter. Criteria: ACMG Guidelines, 2015. Collection method: clinical testing. Allele origin: germline.

Labcorp Genetics (formerly Invitae), Labcorp
Classification: Likely pathogenic for Glycogen storage disease IXd. Last evaluated: 2024-07-31. Review status: criteria provided, single submitter. Criteria: Invitae Variant Classification Sherloc (09022015). Collection method: clinical testing. Allele origin: germline.
Comment: This sequence change affects a donor splice site in intron 19 of the PHKA1 gene. It is expected to disrupt RNA splicing. Variants that disrupt the donor or acceptor splice site typically lead to a loss of protein function (PMID: 16199547), and loss-of-function variants in PHKA1 are known to be pathogenic (PMID: 9731190, 15637709). This variant is not present in population databases (gnomAD no frequency). This variant has not been reported in the literature in individuals affected with PHKA1-related conditions. Algorithms developed to predict the effect of sequence changes on RNA splicing suggest that this variant may disrupt the consensus splice site. In summary, the currently available evidence indicates that the variant is pathogenic, but additional data are needed to prove that conclusively. Therefore, this variant has been classified as Likely Pathogenic.

GeneDx
Classification: Likely pathogenic. Last evaluated: 2024-07-18. Review status: criteria provided, single submitter. Criteria: GeneDx Variant Classification Process June 2021. Collection method: clinical testing. Allele origin: germline. Affected: yes.
Comment: Canonical splice site variant predicted to result in an in-frame loss of the adjacent exon in a gene for which loss of function is a known mechanism of disease; Not observed at significant frequency in large population cohorts (gnomAD); Has not been previously published as pathogenic or benign to our knowledge

Fulgent Genetics
Classification: Likely pathogenic for Glycogen storage disease IXd. Last evaluated: 2024-05-29. Review status: criteria provided, single submitter. Criteria: ACMG Guidelines, 2015. Collection method: clinical testing. Allele origin: germline.

Dr. Peter K. Rogan Lab, Western University
No classification provided (evidence only). Condition: Melanoma. Review status: no classification provided. Collection method: in vitro. Allele origin: not applicable. Functional consequence: skipped exon. Not counted in ClinVar's aggregate classification.

Literature cited by the submitters: PubMed 16199547 (cited by Labcorp Genetics (formerly Invitae), Labcorp); PubMed 9731190 (cited by Labcorp Genetics (formerly Invitae), Labcorp); PubMed 15637709 (cited by Labcorp Genetics (formerly Invitae), Labcorp).

NM_002637.4(PHKA1):c.2137+1G>A

Gene: PHKA1 (phosphorylase kinase regulatory subunit alpha 1; minus strand). Cytogenetic location: Xq13.1.
Variant type: single nucleotide variant.
Coding change: c.2137+1G>A on transcript NM_002637.4 (MANE Select); the canonical splice donor site of the intron after coding-DNA position 2137, G replaced by A.
Molecular consequence: splice donor variant. On other transcripts: intron variant (1).
Genome position (GRCh38, 1-based): chrX:72,620,724, C>T on the plus strand (G>A on the coding strand, the complement: PHKA1 is on the minus strand). VCF-style: chrX-72620724-C-T. GRCh37 (hg19) VCF-style: chrX-71840574-C-T.
Other names: c.1961-1419G>A (NM_001172436.2); c.2137+1G>A (NM_001122670.2, NM_001431068.1).
Identifiers: ClinVar variation 3573491 (VCV003573491.5).